The following is an entry in ClinVar:

NM_001903.5(CTNNA1):c.687A>G (p.Leu229=)

Gene: CTNNA1 (catenin alpha 1; plus strand). Cytogenetic location: 5q31.2.
Variant type: single nucleotide variant.
Coding change: c.687A>G on transcript NM_001903.5 (MANE Select); coding-DNA position 687, A replaced by G.
Protein change: p.Leu229=; no amino-acid change (leucine 229 retained).
Molecular consequence: synonymous variant.
Genome position (GRCh38, 1-based): chr5:138,824,628, A>G. VCF-style: chr5-138824628-A-G. GRCh37 (hg19) VCF-style: chr5-138160317-A-G.
Other names: c.687A>G, p.Leu229= (NM_001290307.3, NM_001323982.2, NM_001323983.1 and 3 more transcripts); c.378A>G, p.Leu126= (NM_001290309.3); c.318A>G, p.Leu106= (NM_001290310.3).
Identifiers: ClinVar variation 764212 (VCV000764212.12), dbSNP rs747221402, ClinGen allele CA3431529.

ClinVar aggregate classification (germline): Benign/Likely benign. Review status: criteria provided, multiple submitters, no conflicts (2 of 4 stars). 3 submissions from 3 submitters: Benign (1); Likely benign (2). Last evaluated 2024-10-10.

Conditions:
Hereditary cancer-predisposing syndrome. Also called: Tumor predisposition; Hereditary Cancer Syndrome; Neoplastic Syndromes, Hereditary; Hereditary neoplastic syndrome. Identifiers: Orphanet 140162, MedGen C0027672, MeSH D009386, MONDO:0015356.
Hereditary diffuse gastric adenocarcinoma (HDGC). Also called: DIFFUSE GASTRIC AND LOBULAR BREAST CANCER SYNDROME. Identifiers: Orphanet 26106, MedGen C1708349, MONDO:0007648, OMIM 137215.

Allele frequency attached by ClinVar (database versions not stated): gnomAD exomes 0.00001 and 0.00002; ExAC 0.00002.
gnomAD v4.1: 9 of 1,614,220 alleles (0.00056%); highest among the groups gnomAD compares: South Asian, 0.0077%; no homozygotes.

Submissions (3):

Myriad Genetics, Inc.
Classification: Benign for Hereditary diffuse gastric adenocarcinoma. Last evaluated: 2024-10-10. Review status: criteria provided, single submitter. Criteria: Myriad Autosomal Dominant, Autosomal Recessive and X-Linked Classification Criteria (2023). Collection method: clinical testing. Allele origin: unknown.
Comment: This variant is considered benign. This variant is a silent/synonymous amino acid change and it is not expected to impact splicing.

Labcorp Genetics (formerly Invitae), Labcorp
Classification: Likely benign. Last evaluated: 2024-06-12. Review status: criteria provided, single submitter. Criteria: Invitae Variant Classification Sherloc (09022015). Collection method: clinical testing. Allele origin: germline.

Ambry Genetics
Classification: Likely benign for Hereditary cancer-predisposing syndrome. Last evaluated: 2022-06-02. Review status: criteria provided, single submitter. Criteria: Ambry Variant Classification Scheme 2023. Collection method: clinical testing. Allele origin: germline.